The following is an entry in ClinVar:

ClinVar aggregate classification (germline): Uncertain significance (1 of 4 stars; one submission).

Conditions:
Inborn genetic diseases. Identifiers: MedGen C0950123, MeSH D030342.

Submission:

Ambry Genetics
Classification: Uncertain significance for Inborn genetic diseases. Last evaluated: 2020-01-07. Review status: criteria provided, single submitter. Criteria: Ambry Variant Classification Scheme 2023. Collection method: clinical testing. Allele origin: germline.
Comment: The alteration results in an amino acid change:_x000D_ _x000D_ The c.146A>T (p.Q49L) alteration is located in exon 1 (coding exon 1) of the IVD gene. This alteration results from a A to T substitution at nucleotide position 146, causing the glutamine (Q) at amino acid position 49 to be replaced by a leucine (L). The alteration is not observed in population databases:_x000D_ _x000D_ Based on data from the Genome Aggregation Database (gnomAD), the IVD c.146A>T alteration was not observed, with coverage at this position. The altered amino acid is conserved throughout evolution:_x000D_ _x000D_ The p.Q49 amino acid is conserved in available vertebrate species. The alteration is predicted deleterious by in silico modeling:_x000D_ _x000D_ The p.Q49L alteration is predicted to be deleterious by in silico analysis. Based on insufficient or conflicting evidence, the clinical significance of this alteration remains unclear.

NM_002225.5(IVD):c.137A>T (p.Gln46Leu)

Gene: IVD (isovaleryl-CoA dehydrogenase; plus strand). Cytogenetic location: 15q15.1.
Variant type: single nucleotide variant.
Coding change: c.137A>T on transcript NM_002225.5 (MANE Select); coding-DNA position 137, A replaced by T.
Protein change: p.Gln46Leu; replaces glutamine 46 with leucine.
Molecular consequence: missense variant. On other transcripts: 5 prime UTR variant (1), non-coding transcript variant (1).
Genome position (GRCh38, 1-based): chr15:40,405,964, A>T. VCF-style: chr15-40405964-A-T. GRCh37 (hg19) VCF-style: chr15-40698165-A-T.
Other names: c.137A>T, p.Gln46Leu (NM_001159508.3, NM_001354598.3, NM_001354599.3 and 2 more transcripts); c.-291A>T (NM_001354597.3); short protein forms Q46L.
Identifiers: ClinVar variation 985745 (VCV000985745.4), dbSNP rs1890355492, ClinGen allele CA391743842.